The following is an entry in ClinVar:

ClinVar aggregate classification (germline): Likely benign (0 of 4 stars; one submission).

Conditions:
SCRIB-related disorder. Also called: SCRIB-related condition.

Submission:

PreventionGenetics, part of Exact Sciences
Classification: Likely benign for SCRIB-related condition. Last evaluated: 2022-08-02. Review status: no assertion criteria provided. Collection method: clinical testing. Allele origin: germline.
Comment: This variant is classified as likely benign based on ACMG/AMP sequence variant interpretation guidelines (Richards et al. 2015 PMID: 25741868, with internal and published modifications).

NM_182706.5(SCRIB):c.2025GGA[3] (p.Glu679del)

Gene: SCRIB (scribble planar cell polarity protein; minus strand). Cytogenetic location: 8q24.3.
Variant type: Microsatellite.
Coding change: c.2025GGA[3] on transcript NM_182706.5 (MANE Select); three copies in a row of the 3-base unit GGA starting at c.2025; the reference has four copies in a row; one copy, 3 bases deleted.
Protein change: p.Glu679del; deletes glutamic acid 679.
Genome position (GRCh38, 1-based): chr8:143,808,688-143,808,690, TCC deleted on the plus strand (GGA on the coding strand, the reverse complement: SCRIB is on the minus strand); deleting any 3 consecutive bases within chr8:143,808,688-143,808,701 gives the same sequence; the position shown is the placement nearest the transcript's 3' end. VCF-style (leftmost placement, unchanged base first): chr8-143808687-TTCC-T. GRCh37 (hg19) VCF-style: chr8-144890857-TTCC-T.
Other names: c.2025GGA[3], p.Glu679del (NM_015356.5); short protein forms E679del.
Identifiers: ClinVar variation 3036010 (VCV003036010.2), dbSNP rs761421987, ClinGen allele CA187609064.
Genomic context (GRCh38, chr8:143,808,687, plus strand): 5'-AACCACGGCCCCCTCCTTGTCCTCCTCCTCAGTGCTGGCCTCTTCCTCTTCAGCCCTGTT[TTCC>T]TCCTCCTCCTCTTCCTCCTCCTCCTGAGGACTACCCTCTTCCTCCTCCTCCTCCTCCTTC-3'